The following is an entry in ClinVar:

NM_001382567.1(STIM1):c.4G>A (p.Asp2Asn)

Genes: STIM1 (stromal interaction molecule 1; plus strand), LOC130005165 (ATAC-STARR-seq lymphoblastoid active region 4312; plus strand). Cytogenetic location: 11p15.4.
Variant type: single nucleotide variant.
Coding change: c.4G>A on transcript NM_001382567.1 (MANE Select); coding-DNA position 4, G replaced by A.
Protein change: p.Asp2Asn; replaces aspartic acid 2 with asparagine.
Molecular consequence: missense variant. On other transcripts: intron variant (10), 5 prime UTR variant (2), non-coding transcript variant (3).
Genome position (GRCh38, 1-based): chr11:3,856,274, G>A. VCF-style: chr11-3856274-G-A. GRCh37 (hg19) VCF-style: chr11-3877504-G-A.
Other names: c.-220+1538G>A (NM_001382580.1, NM_001382581.1); c.-84+1620G>A (NM_001382576.1); c.-84+1538G>A (NM_001382574.1, NM_001382578.1, NM_001382575.1); c.-84+858G>A (NM_001382566.1, NM_001382579.1, NM_001382577.1 and 1 more transcripts); c.4G>A, p.Asp2Asn (NM_001277961.3, NM_001277962.2, NM_001382568.1 and 3 more transcripts); c.-1G>A (NM_001382569.1); c.-234G>A (NM_001382571.1); short protein forms D2N.
Identifiers: ClinVar variation 1023359 (VCV001023359.9), dbSNP rs2090364498, ClinGen allele CA379196270.

ClinVar aggregate classification (germline): Uncertain significance (1 of 4 stars; one submission).

Conditions:
Stormorken syndrome (STRMK). Also called: THROMBOCYTOPATHY, ASPLENIA, AND MIOSIS. Identifiers: Orphanet 3204, MedGen C1861451, MONDO:0008497, OMIM 185070.
Myopathy with tubular aggregates (TAM). Also called: Tubular Aggregate Myopathy. Identifiers: Orphanet 2593, MedGen C0410207, MONDO:0008051.
Combined immunodeficiency due to STIM1 deficiency. Also called: IMMUNODEFICIENCY 10; STIM1 DEFICIENCY. Identifiers: Orphanet 169090, Orphanet 317430, MedGen C2748557, MONDO:0013008, OMIM 612783.

Allele frequency attached by ClinVar (database versions not stated): gnomAD exomes below 0.00001.
gnomAD v4.1: 1 of 1,614,124 alleles (0.000062%); highest among the groups gnomAD compares: Non-Finnish European, 0.000085%; no homozygotes.

Submission:

Labcorp Genetics (formerly Invitae), Labcorp
Classification: Uncertain significance for Myopathy with tubular aggregates; Combined immunodeficiency due to STIM1 deficiency; Stormorken syndrome. Last evaluated: 2022-11-22. Review status: criteria provided, single submitter. Criteria: Invitae Variant Classification Sherloc (09022015). Collection method: clinical testing. Allele origin: germline.
Comment: In summary, the available evidence is currently insufficient to determine the role of this variant in disease. Therefore, it has been classified as a Variant of Uncertain Significance. Advanced modeling of protein sequence and biophysical properties (such as structural, functional, and spatial information, amino acid conservation, physicochemical variation, residue mobility, and thermodynamic stability) performed at Invitae indicates that this missense variant is expected to disrupt STIM1 protein function. ClinVar contains an entry for this variant (Variation ID: 1023359). This variant has not been reported in the literature in individuals affected with STIM1-related conditions. This variant is not present in population databases (gnomAD no frequency). This sequence change replaces aspartic acid, which is acidic and polar, with asparagine, which is neutral and polar, at codon 2 of the STIM1 protein (p.Asp2Asn).